The following is an entry in ClinVar:

ClinVar aggregate classification (germline): Uncertain significance (1 of 4 stars; one submission).

Conditions:
Granulomatous disease, chronic, autosomal recessive, cytochrome b-positive, type 2. Also called: GRANULOMATOUS DISEASE, CHRONIC, AUTOSOMAL RECESSIVE, 2; GRANULOMATOUS DISEASE, CHRONIC, DUE TO NCF2 DEFICIENCY; CGD, AUTOSOMAL RECESSIVE CYTOCHROME b-POSITIVE, TYPE II; Chronic granulomatous disease due to deficiency of NCF-2; Chronic Granulomatous Disease, Autosomal Recessive, Cytochrome b-Positive, Type II. Identifiers: Orphanet 379, MedGen C1856245, MONDO:0009310, OMIM 233710.

Allele frequency attached by ClinVar (database versions not stated): gnomAD 0.00001; TOPMed 0.00002; gnomAD exomes 0.00003 and 0.00008; ESP Exome Variant Server 0.00008; ExAC 0.00016.
gnomAD v4.1: 44 of 1,612,562 alleles (0.0027%); highest among the groups gnomAD compares: Non-Finnish European, 0.0035%; no homozygotes.

Submission:

Labcorp Genetics (formerly Invitae), Labcorp
Classification: Uncertain significance for Granulomatous disease, chronic, autosomal recessive, cytochrome b-positive, type 2. Last evaluated: 2022-07-11. Review status: criteria provided, single submitter. Criteria: Invitae Variant Classification Sherloc (09022015). Collection method: clinical testing. Allele origin: germline.
Comment: This sequence change replaces glycine, which is neutral and non-polar, with arginine, which is basic and polar, at codon 327 of the NCF2 protein (p.Gly327Arg). This variant is present in population databases (rs138860204, gnomAD 0.02%). This variant has not been reported in the literature in individuals affected with NCF2-related conditions. ClinVar contains an entry for this variant (Variation ID: 950830). Algorithms developed to predict the effect of missense changes on protein structure and function output the following: SIFT: "Tolerated"; PolyPhen-2: "Benign"; Align-GVGD: "Class C0". The arginine amino acid residue is found in multiple mammalian species, which suggests that this missense change does not adversely affect protein function. In summary, the available evidence is currently insufficient to determine the role of this variant in disease. Therefore, it has been classified as a Variant of Uncertain Significance.

NM_000433.4(NCF2):c.979G>A (p.Gly327Arg)

Gene: NCF2 (neutrophil cytosolic factor 2; minus strand). Cytogenetic location: 1q25.3.
Variant type: single nucleotide variant.
Coding change: c.979G>A on transcript NM_000433.4 (MANE Select); coding-DNA position 979, G replaced by A.
Protein change: p.Gly327Arg; replaces glycine 327 with arginine.
Molecular consequence: missense variant.
Genome position (GRCh38, 1-based): chr1:183,565,725, C>T on the plus strand (G>A on the coding strand, the complement: NCF2 is on the minus strand). VCF-style: chr1-183565725-C-T. GRCh37 (hg19) VCF-style: chr1-183534860-C-T.
Other names: c.979G>A, p.Gly327Arg (NM_001127651.3); c.736G>A, p.Gly246Arg (NM_001190789.2); c.844G>A, p.Gly282Arg (NM_001190794.2); short protein forms G282R, G327R, G246R.
Identifiers: ClinVar variation 950830 (VCV000950830.7), dbSNP rs138860204, ClinGen allele CA1284726.